The following is an entry in ClinVar:

ClinVar aggregate classification (germline): Uncertain significance (1 of 4 stars; one submission).

Conditions:
Inborn genetic diseases. Identifiers: MedGen C0950123, MeSH D030342.

Submission:

Ambry Genetics
Classification: Uncertain significance for Inborn genetic diseases. Last evaluated: 2025-09-28. Review status: criteria provided, single submitter. Criteria: Ambry Variant Classification Scheme 2023. Collection method: clinical testing. Allele origin: germline.
Comment: The p.S124F variant (also known as c.371C>T), located in coding exon 3 of the USB1 gene, results from a C to T substitution at nucleotide position 371. The serine at codon 124 is replaced by phenylalanine, an amino acid with highly dissimilar properties. This amino acid position is conserved. In addition, this alteration is predicted to be deleterious by in silico analysis. Based on the available evidence, the clinical significance of this variant remains unclear.

NM_024598.4(USB1):c.371C>T (p.Ser124Phe)

Gene: USB1 (U6 snRNA biogenesis phosphodiesterase 1; plus strand). Cytogenetic location: 16q21.
Variant type: single nucleotide variant.
Coding change: c.371C>T on transcript NM_024598.4 (MANE Select); coding-DNA position 371, C replaced by T.
Protein change: p.Ser124Phe; replaces serine 124 with phenylalanine.
Molecular consequence: missense variant.
Genome position (GRCh38, 1-based): chr16:58,010,034, C>T. VCF-style: chr16-58010034-C-T. GRCh37 (hg19) VCF-style: chr16-58043938-C-T.
Other names: c.371C>T, p.Ser124Phe (NM_001195302.2, NM_001204911.2, NM_001330569.2); c.218C>T, p.Ser73Phe (NM_001330568.2); short protein forms S73F, S124F.
Identifiers: ClinVar variation 4634185 (VCV004634185.1).
Genomic context (GRCh38, chr16:58,010,034, plus strand): 5'-CCCATGCCCAGACATATGTCCCCCGGCTGGTAAGGATGAAGGTGTTCCACCTCAGCCTGT[C>T]CCAGAGTGTGGTTCTGCGCCACCACTGGATCCTCCCCTTCGTGCAGGCTCTGAAAGCCCG-3'
Protein context (NP_078874.2, residues 114-134): VRMKVFHLSL[Ser124Phe]QSVVLRHHWI